The following is an entry in ClinVar:

NM_052947.4(ALPK2):c.3842C>T (p.Ala1281Val)

Genes: ALPK2 (alpha kinase 2; minus strand), LOC126862764 (BRD4-independent group 4 enhancer GRCh37_chr18:56202574-56203773; plus strand). Cytogenetic location: 18q21.31.
Variant type: single nucleotide variant.
Coding change: c.3842C>T on transcript NM_052947.4 (MANE Select); coding-DNA position 3842, C replaced by T.
Protein change: p.Ala1281Val; replaces alanine 1281 with valine.
Molecular consequence: missense variant.
Genome position (GRCh38, 1-based): chr18:58,536,345, G>A on the plus strand (C>T on the coding strand, the complement: ALPK2 is on the minus strand). VCF-style: chr18-58536345-G-A. GRCh37 (hg19) VCF-style: chr18-56203577-G-A.
Other names: short protein forms A1281V.
Identifiers: ClinVar variation 3228707 (VCV003228707.1), dbSNP rs2051647487, ClinGen allele CA402565383.

ClinVar aggregate classification (germline): Uncertain significance (1 of 4 stars; one submission).

Submission:

Ambry Genetics
Classification: Uncertain significance. Last evaluated: 2024-02-13. Review status: criteria provided, single submitter. Criteria: Ambry Variant Classification Scheme 2023. Collection method: clinical testing. Allele origin: germline.
Comment: The p.A1281V variant (also known as c.3842C>T), located in coding exon 4 of the ALPK2 gene, results from a C to T substitution at nucleotide position 3842. The alanine at codon 1281 is replaced by valine, an amino acid with similar properties. This amino acid position is conserved. In addition, this alteration is predicted to be tolerated by in silico analysis. Based on the available evidence, the clinical significance of this alteration remains unclear.